The following is an entry in ClinVar:

NM_000069.3(CACNA1S):c.3890G>C (p.Gly1297Ala)

Gene: CACNA1S (calcium voltage-gated channel subunit alpha1 S; minus strand). Cytogenetic location: 1q32.1.
Variant type: single nucleotide variant.
Coding change: c.3890G>C on transcript NM_000069.3 (MANE Select); coding-DNA position 3890, G replaced by C.
Protein change: p.Gly1297Ala; replaces glycine 1297 with alanine.
Molecular consequence: missense variant.
Genome position (GRCh38, 1-based): chr1:201,052,620, C>G on the plus strand (G>C on the coding strand, the complement: CACNA1S is on the minus strand). VCF-style: chr1-201052620-C-G. GRCh37 (hg19) VCF-style: chr1-201021748-C-G.
Other names: short protein forms G1297A.
Identifiers: ClinVar variation 3072037 (VCV003072037.1), dbSNP rs749856222, ClinGen allele CA344152562.

ClinVar aggregate classification (germline): Uncertain significance (1 of 4 stars; one submission).

Conditions:
Malignant hyperthermia, susceptibility to, 5 (MHS5). Also called: CACNA1S-Related Malignant Hyperthermia Susceptibility. Identifiers: Orphanet 423, MedGen C1866077, MONDO:0011163, OMIM 601887.

gnomAD v4.1: 4 of 1,613,820 alleles (0.00025%); highest among the groups gnomAD compares: Admixed American, 0.0017%; no homozygotes.

Submission:

All of Us Research Program, National Institutes of Health
Classification: Uncertain significance for Malignant hyperthermia, susceptibility to, 5. Last evaluated: 2023-06-26. Review status: criteria provided, single submitter. Criteria: ACMG Guidelines, 2015. Collection method: clinical testing. Allele origin: germline. Inheritance: Autosomal dominant inheritance. Observed: 1 variant allele, 1 heterozygote.
Comment: This missense variant replaces glycine with alanine at codon 1297 of the CACNA1S protein. Computational prediction suggests that this variant may have deleterious impact on protein structure and function (internally defined REVEL score threshold >= 0.7, PMID: 27666373). To our knowledge, functional studies have not been reported for this variant. This variant has not been reported in individuals affected with CACNA1S-related disorders in the literature. This variant has been identified in 1/251492 chromosomes in the general population by the Genome Aggregation Database (gnomAD). The available evidence is insufficient to determine the role of this variant in disease conclusively. Therefore, this variant is classified as a Variant of Uncertain Significance.

This study involves interpretation of variants in research participants for the purpose of population health screening. Participant phenotype was not available at the time of variant classification. Additional details can be found in publication PMID: 35346344, PMCID: PMC8962531